The following is an entry in ClinVar:

ClinVar aggregate classification (germline): Likely benign. Review status: criteria provided, single submitter (1 of 4 stars). 2 submissions from 2 submitters: Likely benign (1). 1 of the submissions does not count toward it. Last evaluated 2025-10-26.

Conditions:
Glycogen storage disease IV, classic hepatic. Also called: GSD IV, CLASSIC HEPATIC. Identifiers: MedGen C1856301.
Glycogen storage disease, type IV (GSD4). Also called: AMYLOPECTINOSIS; ANDERSEN DISEASE; BRANCHER DEFICIENCY; CIRRHOSIS, FAMILIAL, WITH DEPOSITION OF ABNORMAL GLYCOGEN; GBE1 DEFICIENCY; GLYCOGEN BRANCHING ENZYME DEFICIENCY. Identifiers: Orphanet 367, MedGen C0017923, MONDO:0009292, OMIM 232500.
GBE1-related disorder. Also called: GBE1-related condition; GBE1-related disorders. Identifiers: MedGen CN239402.

Allele frequency attached by ClinVar (database versions not stated): gnomAD exomes below 0.00001 and 0.00001; TOPMed 0.00002.
gnomAD v4.1: 4 of 1,547,080 alleles (0.00026%); highest among the groups gnomAD compares: Admixed American, 0.0078%; no homozygotes.

Submissions (2):

Labcorp Genetics (formerly Invitae), Labcorp
Classification: Likely benign for Glycogen storage disease, type IV; Glycogen storage disease IV, classic hepatic. Last evaluated: 2025-10-26. Review status: criteria provided, single submitter. Criteria: Invitae Variant Classification Sherloc (09022015). Collection method: clinical testing. Allele origin: germline.

PreventionGenetics, part of Exact Sciences
Classification: Likely benign for GBE1-related condition. Last evaluated: 2022-10-21. Review status: no assertion criteria provided. Collection method: clinical testing. Allele origin: germline. Not counted in ClinVar's aggregate classification.
Comment: This variant is classified as likely benign based on ACMG/AMP sequence variant interpretation guidelines (Richards et al. 2015 PMID: 25741868, with internal and published modifications).

NM_000158.4(GBE1):c.327A>G (p.Pro109=)

Gene: GBE1 (1,4-alpha-glucan branching enzyme 1; minus strand). Cytogenetic location: 3p12.2.
Variant type: single nucleotide variant.
Coding change: c.327A>G on transcript NM_000158.4 (MANE Select); coding-DNA position 327, A replaced by G.
Protein change: p.Pro109=; no amino-acid change (proline 109 retained).
Molecular consequence: synonymous variant.
Genome position (GRCh38, 1-based): chr3:81,670,940, T>C on the plus strand (A>G on the coding strand, the complement: GBE1 is on the minus strand). VCF-style: chr3-81670940-T-C. GRCh37 (hg19) VCF-style: chr3-81720091-T-C.
Other names: c.327A>G (NM_000158.3).
Identifiers: ClinVar variation 1531441 (VCV001531441.10), dbSNP rs1200105843, ClinGen allele CA434496958.